The following is an entry in ClinVar:

ClinVar aggregate classification (germline): Uncertain significance (1 of 4 stars; one submission).

Conditions:
Developmental and epileptic encephalopathy, 34 (DEE34). Also called: SLC12A5-Related Epilepsy of Infancy with Migrating Focal Seizures; Early infantile epileptic encephalopathy 34. Identifiers: Orphanet 293181, MedGen C4225257, MONDO:0014718, OMIM 616645.

Allele frequency attached by ClinVar (database versions not stated): TOPMed below 0.00001; ExAC 0.00001; gnomAD 0.00001; gnomAD exomes 0.00001.
gnomAD v4.1: 9 of 1,614,044 alleles (0.00056%); highest among the groups gnomAD compares: Non-Finnish European, 0.00076%; no homozygotes.

Submission:

Labcorp Genetics (formerly Invitae), Labcorp
Classification: Uncertain significance for Developmental and epileptic encephalopathy, 34. Last evaluated: 2021-11-04. Review status: criteria provided, single submitter. Criteria: Invitae Variant Classification Sherloc (09022015). Collection method: clinical testing. Allele origin: germline.
Comment: In summary, the available evidence is currently insufficient to determine the role of this variant in disease. Therefore, it has been classified as a Variant of Uncertain Significance. Advanced modeling of protein sequence and biophysical properties (such as structural, functional, and spatial information, amino acid conservation, physicochemical variation, residue mobility, and thermodynamic stability) performed at Invitae indicates that this missense variant is not expected to disrupt SLC12A5 protein function. This variant has not been reported in the literature in individuals affected with SLC12A5-related conditions. This variant is present in population databases (rs751140061, gnomAD 0.002%). This sequence change replaces alanine, which is neutral and non-polar, with glycine, which is neutral and non-polar, at codon 303 of the SLC12A5 protein (p.Ala303Gly).

NM_020708.5(SLC12A5):c.908C>G (p.Ala303Gly)

Gene: SLC12A5 (solute carrier family 12 member 5; plus strand). Cytogenetic location: 20q13.12.
Variant type: single nucleotide variant.
Coding change: c.908C>G on transcript NM_020708.5 (MANE Select); coding-DNA position 908, C replaced by G.
Protein change: p.Ala303Gly; replaces alanine 303 with glycine.
Molecular consequence: missense variant.
Genome position (GRCh38, 1-based): chr20:46,041,382, C>G. VCF-style: chr20-46041382-C-G. GRCh37 (hg19) VCF-style: chr20-44670021-C-G.
Other names: c.977C>G, p.Ala326Gly (NM_001134771.2); short protein forms A303G, A326G.
Identifiers: ClinVar variation 1425261 (VCV001425261.4), dbSNP rs751140061, ClinGen allele CA9887179.